The following is an entry in ClinVar:

NM_000392.5(ABCC2):c.1110G>A (p.Ala370=)

Gene: ABCC2 (ATP binding cassette subfamily C member 2; plus strand). Cytogenetic location: 10q24.2.
Variant type: single nucleotide variant.
Coding change: c.1110G>A on transcript NM_000392.5 (MANE Select); coding-DNA position 1110, G replaced by A.
Protein change: p.Ala370=; no amino-acid change (alanine 370 retained).
Molecular consequence: synonymous variant.
Genome position (GRCh38, 1-based): chr10:99,800,464, G>A. VCF-style: chr10-99800464-G-A. GRCh37 (hg19) VCF-style: chr10-101560221-G-A.
Other names: c.1110G>A (NM_000392.4).
Identifiers: ClinVar variation 2956897 (VCV002956897.4), dbSNP rs777140896, ClinGen allele CA5643084.

ClinVar aggregate classification (germline): Likely benign. Review status: criteria provided, single submitter (1 of 4 stars). 2 submissions from 2 submitters: Likely benign (1). 1 of the submissions does not count toward it. Last evaluated 2023-12-19.

Conditions:
ABCC2-related disorder. Also called: ABCC2-related condition.

Allele frequency attached by ClinVar (database versions not stated): TOPMed 0.00001.

Submissions (2):

Labcorp Genetics (formerly Invitae), Labcorp
Classification: Likely benign. Last evaluated: 2023-12-19. Review status: criteria provided, single submitter. Criteria: Invitae Variant Classification Sherloc (09022015). Collection method: clinical testing. Allele origin: germline.

PreventionGenetics, part of Exact Sciences
Classification: Likely benign for ABCC2-related condition. Last evaluated: 2024-07-11. Review status: no assertion criteria provided. Collection method: clinical testing. Allele origin: germline. Not counted in ClinVar's aggregate classification.
Comment: This variant is classified as likely benign based on ACMG/AMP sequence variant interpretation guidelines (Richards et al. 2015 PMID: 25741868, with internal and published modifications).